The following is an entry in ClinVar:

ClinVar aggregate classification (germline): Likely benign (0 of 4 stars; one submission).

Conditions:
ADRA2C-related disorder. Also called: ADRA2C-related condition.

Submission:

PreventionGenetics, part of Exact Sciences
Classification: Likely benign for ADRA2C-related condition. Last evaluated: 2023-07-29. Review status: no assertion criteria provided. Collection method: clinical testing. Allele origin: germline.
Comment: This variant is classified as likely benign based on ACMG/AMP sequence variant interpretation guidelines (Richards et al. 2015 PMID: 25741868, with internal and published modifications).

NM_000683.4(ADRA2C):c.942_950del (p.313GGA[1])

Gene: ADRA2C (adrenoceptor alpha 2C; plus strand). Cytogenetic location: 4p16.3.
Variant type: Deletion.
Coding change: c.942_950del on transcript NM_000683.4 (MANE Select); coding-DNA positions 942 to 950, 9 bases deleted (CGCGGGCGG; older notation c.942_950delCGCGGGCGG).
Protein change: p.313GGA[1].
Genome position (GRCh38, 1-based): chr4:3,767,548-3,767,556, CGCGGGCGG deleted; deleting any 9 consecutive bases within chr4:3,767,546-3,767,556 gives the same sequence; the c. name uses the placement nearest the transcript's 3' end. VCF-style (leftmost placement, unchanged base first): chr4-3767545-GGGCGCGGGC-G. GRCh37 (hg19) VCF-style: chr4-3769272-GGGCGCGGGC-G.
Identifiers: ClinVar variation 3046253 (VCV003046253.2), dbSNP rs1346646919, ClinGen allele CA549706546.
Genomic context (GRCh38, chr4:3,767,545, plus strand): 5'-GAGGCGGCGGCGCCGGGGCGCGTTGCGGCGGGGCGGGCGGCGGCGAGCGGGCGCGGAGGG[GGGCGCGGGC>G]GGTGCGGACGGGCAGGGGGCGGGGCCGGGGGCGGCTGAGTCGGGGGCGCTGACCGCCTCC-3'